The following is an entry in ClinVar:

NM_000642.3(AGL):c.3362G>A (p.Arg1121Lys)

Gene: AGL (amylo-alpha-1,6-glucosidase and 4-alpha-glucanotransferase; plus strand). Cytogenetic location: 1p21.2.
Variant type: single nucleotide variant.
Coding change: c.3362G>A on transcript NM_000642.3 (MANE Select); coding-DNA position 3362, G replaced by A.
Protein change: p.Arg1121Lys; replaces arginine 1121 with lysine.
Molecular consequence: missense variant.
Genome position (GRCh38, 1-based): chr1:99,896,388, G>A. VCF-style: chr1-99896388-G-A. GRCh37 (hg19) VCF-style: chr1-100361944-G-A.
Other names: c.3362G>A (NM_000642.2); c.3362G>A, p.Arg1121Lys (NM_000028.3, NM_000643.3, NM_000644.3 and 1 more transcripts); c.3314G>A, p.Arg1105Lys (NM_000646.3); c.3341G>A, p.Arg1114Lys (NM_001425326.1); c.3161G>A, p.Arg1054Lys (NM_001425327.1); c.3158G>A, p.Arg1053Lys (NM_001425328.1); c.3023G>A, p.Arg1008Lys (NM_001425329.1); c.2984G>A, p.Arg995Lys (NM_001425332.1); short protein forms R1105K, R1121K, R1008K, R1053K, R1054K, R1114K, R995K.
Identifiers: ClinVar variation 998108 (VCV000998108.4), dbSNP rs1653326843, ClinGen allele CA341329023.

ClinVar aggregate classification (germline): Conflicting classifications of pathogenicity. Review status: criteria provided, conflicting classifications (1 of 4 stars). 3 submissions from 3 submitters: Likely pathogenic (2); Uncertain significance (1). Last evaluated 2025-04-18.

Conditions:
Glycogen storage disease type III (GSD3). Also called: FORBES DISEASE; Cori disease. Identifiers: Orphanet 366, MedGen C0017922, MONDO:0009291, OMIM 232400.

Submissions (3):

Women's Health and Genetics/Laboratory Corporation of America, LabCorp
Classification: Uncertain significance. Last evaluated: 2025-04-18. Review status: criteria provided, single submitter. Criteria: LabCorp Variant Classification Summary - May 2015. Collection method: clinical testing. Allele origin: germline.
Comment: Variant summary: AGL c.3362G>A (p.Arg1121Lys) results in a conservative amino acid change in the encoded protein sequence. Four of five in-silico tools predict a benign effect of the variant on protein function. This variant occurs at the last coding nucleotide of exon 25, within the exonic splice region. Several computational tools predict a significant impact on normal splicing: Two predict the variant weakens the canonical 5' donor site. One predict the variant abolishes the canonical 5' splicing donor site. One predict the variant no significant impact on splicing. However, these predictions have yet to be confirmed by functional studies. The variant was absent in 251350 control chromosomes. c.3362G>A has been observed at a homozygous state in one individual affected with Glycogen Storage Disease Type III (Kumar_2022). These data indicate that the variant may be associated with disease. To our knowledge, no experimental evidence demonstrating an impact on protein function has been reported. The following publication has been ascertained in the context of this evaluation (PMID: 35834487). ClinVar contains an entry for this variant (Variation ID: 998108). Based on the evidence outlined above, the variant was classified as VUS-possibly pathogenic.

Baylor Genetics
Classification: Likely pathogenic for Glycogen storage disease type III. Last evaluated: 2023-01-28. Review status: criteria provided, single submitter. Criteria: ACMG Guidelines, 2015. Collection method: clinical testing. Allele origin: unknown.

Centre for Human Genetics
Classification: Likely pathogenic for Glycogen storage disease type III. Last evaluated: 2020-08-27. Review status: criteria provided, single submitter. Criteria: ACMG Guidelines, 2015. Collection method: clinical testing. Allele origin: inherited. Inheritance: Autosomal recessive inheritance. Affected: yes. Observed: 1 variant allele.
Comment: disease causing

Literature cited by the submitters: PubMed 35834487 (cited by Women's Health and Genetics/Laboratory Corporation of America, LabCorp).